The following is an entry in ClinVar:

ClinVar aggregate classification (germline): Conflicting classifications of pathogenicity. Review status: criteria provided, conflicting classifications (1 of 4 stars). 7 submissions from 7 submitters: Uncertain significance (3); Likely benign (3). 1 of the submissions does not count toward it. Last evaluated 2026-08-24.

Conditions:
GUCY2D-related disorder. Also called: GUCY2D-related condition.
Leber congenital amaurosis 1 (LCA1). Also called: RETINAL BLINDNESS, CONGENITAL; Congenital absence of the rods and cones; Leber's congenital tapetoretinal degeneration; Leber's congenital tapetoretinal dysplasia; AMAUROSIS CONGENITA OF LEBER I. Identifiers: Orphanet 65, MedGen C2931258, MONDO:0008764, OMIM 204000.
Cone-rod dystrophy 6 (CORD6). Also called: RETINAL CONE DYSTROPHY 2; Cone dystrophy progressive. Identifiers: Orphanet 1872, MedGen C1866293, MONDO:0011143, OMIM 601777.

Allele frequency attached by ClinVar (database versions not stated): ESP Exome Variant Server 0.00131; gnomAD 0.00055 and 0.00057; 1000 Genomes Project 0.00060; TOPMed 0.00065; gnomAD exomes 0.00066 and 0.00080; ExAC 0.00073; 1000 Genomes Project 30x 0.00078.
gnomAD v4.1: 1,254 of 1,611,098 alleles (0.078%); highest among the groups gnomAD compares: Admixed American, 0.12%; 1 homozygote.

Submissions (7):

PreventionGenetics, part of Exact Sciences
Classification: Uncertain significance for GUCY2D-related condition. Last evaluated: 2026-08-24. Review status: criteria provided, single submitter. Criteria: ACMG Guidelines, 2015. Collection method: clinical testing. Allele origin: germline.
Comment: The GUCY2D c.1537C>T variant is predicted to result in the amino acid substitution p.Leu513Phe. This variant was reported in a cohort of individuals with retinal dystrophy (supplementary data, Mihalich et al. 2024. PubMed ID: 38927702). However, this variant is reported in 0.11% of alleles in individuals of Latino descent in gnomAD, which may be too frequent to be a primary cause of disease. Although we suspect that this variant may be benign, at this time, the clinical significance of this variant is uncertain due to the absence of conclusive functional and genetic evidence.

Labcorp Genetics (formerly Invitae), Labcorp
Classification: Likely benign for Leber congenital amaurosis 1; Cone-rod dystrophy 6. Last evaluated: 2026-01-26. Review status: criteria provided, single submitter. Criteria: Invitae Variant Classification Sherloc (09022015). Collection method: clinical testing. Allele origin: germline.

Blueprint Genetics
Classification: Likely benign. Last evaluated: 2024-11-27. Review status: criteria provided, single submitter. Criteria: ACMG Guidelines, 2015. Collection method: clinical testing. Allele origin: germline.

GeneDx
Classification: Uncertain significance. Last evaluated: 2024-06-12. Review status: criteria provided, single submitter. Criteria: GeneDx Variant Classification Process June 2021. Collection method: clinical testing. Allele origin: germline. Affected: yes.
Comment: In silico analysis indicates that this missense variant does not alter protein structure/function; Has not been previously published as pathogenic or benign to our knowledge

CeGaT Center for Human Genetics Tuebingen
Classification: Uncertain significance. Last evaluated: 2021-12-01. Review status: criteria provided, single submitter. Criteria: CeGaT Center For Human Genetics Tuebingen Variant Classification Criteria Version 2. Collection method: clinical testing. Allele origin: germline. Affected: yes. Observed: 2 variant alleles.

Eurofins Ntd Llc (ga)
Classification: Likely benign. Last evaluated: 2016-01-27. Review status: criteria provided, single submitter. Criteria: EGL Classification Definitions 2015. Collection method: clinical testing. Allele origin: germline. Observed: 1 variant allele, 1 heterozygote.

Retina International
No classification provided. Review status: no classification provided. Collection method: not provided. Allele origin: not provided. Not counted in ClinVar's aggregate classification.

NM_000180.4(GUCY2D):c.1537C>T (p.Leu513Phe)

Gene: GUCY2D (guanylate cyclase 2D, retinal; plus strand). Cytogenetic location: 17p13.1.
Variant type: single nucleotide variant.
Coding change: c.1537C>T on transcript NM_000180.4 (MANE Select); coding-DNA position 1537, C replaced by T.
Protein change: p.Leu513Phe; replaces leucine 513 with phenylalanine.
Molecular consequence: missense variant.
Genome position (GRCh38, 1-based): chr17:8,007,499, C>T. VCF-style: chr17-8007499-C-T. GRCh37 (hg19) VCF-style: chr17-7910817-C-T.
Other names: short protein forms L513F.
Identifiers: ClinVar variation 98543 (VCV000098543.60), dbSNP rs61749682, ClinGen allele CA226047.